The following is an entry in ClinVar:

NM_005228.5(EGFR):c.442G>A (p.Val148Met)

Gene: EGFR (epidermal growth factor receptor; plus strand). Cytogenetic location: 7p11.2.
Variant type: single nucleotide variant.
Coding change: c.442G>A on transcript NM_005228.5 (MANE Select); coding-DNA position 442, G replaced by A.
Protein change: p.Val148Met; replaces valine 148 with methionine.
Molecular consequence: missense variant. On other transcripts: intron variant (3).
Genome position (GRCh38, 1-based): chr7:55,146,623, G>A. VCF-style: chr7-55146623-G-A. GRCh37 (hg19) VCF-style: chr7-55214316-G-A.
Other names: c.442G>A, p.Val148Met (NM_001346898.2, NM_201282.2, NM_201283.2 and 1 more transcripts); c.283G>A, p.Val95Met (NM_001346900.2); c.424+3135G>A (NM_001346899.2, NM_001346897.2); c.89-9207G>A (NM_001346941.2); short protein forms V148M, V95M.
Identifiers: ClinVar variation 857809 (VCV000857809.8), dbSNP rs1562756942, ClinGen allele CA367576495.

ClinVar aggregate classification (germline): Uncertain significance. Review status: criteria provided, multiple submitters, no conflicts (2 of 4 stars). 2 submissions from 2 submitters: Uncertain significance (2). Last evaluated 2025-02-09.

Conditions:
Hereditary cancer-predisposing syndrome. Also called: Tumor predisposition; Hereditary neoplastic syndrome; Neoplastic Syndromes, Hereditary; Hereditary Cancer Syndrome. Identifiers: Orphanet 140162, MedGen C0027672, MeSH D009386, MONDO:0015356.
EGFR-related lung cancer (EGFR). Identifiers: MedGen CN130014.

Allele frequency attached by ClinVar (database versions not stated): gnomAD 0.00001; gnomAD exomes 0.00001; TOPMed 0.00001.
gnomAD v4.1: 9 of 1,613,970 alleles (0.00056%); highest among the groups gnomAD compares: African/African-American, 0.004%; no homozygotes.

Submissions (2):

Labcorp Genetics (formerly Invitae), Labcorp
Classification: Uncertain significance for EGFR-related lung cancer. Last evaluated: 2025-02-09. Review status: criteria provided, single submitter. Criteria: Invitae Variant Classification Sherloc (09022015). Collection method: clinical testing. Allele origin: germline.
Comment: This sequence change replaces valine, which is neutral and non-polar, with methionine, which is neutral and non-polar, at codon 148 of the EGFR protein (p.Val148Met). This variant is not present in population databases (gnomAD no frequency). This variant has not been reported in the literature in individuals affected with EGFR-related conditions. ClinVar contains an entry for this variant (Variation ID: 857809). An algorithm developed to predict the effect of missense changes on protein structure and function (PolyPhen-2) suggests that this variant is likely to be disruptive. In summary, the available evidence is currently insufficient to determine the role of this variant in disease. Therefore, it has been classified as a Variant of Uncertain Significance.

Ambry Genetics
Classification: Uncertain significance for Hereditary cancer-predisposing syndrome. Last evaluated: 2025-01-02. Review status: criteria provided, single submitter. Criteria: Ambry Variant Classification Scheme 2023. Collection method: clinical testing. Allele origin: germline.
Comment: The p.V148M variant (also known as c.442G>A), located in coding exon 4 of the EGFR gene, results from a G to A substitution at nucleotide position 442. The valine at codon 148 is replaced by methionine, an amino acid with highly similar properties. This amino acid position is highly conserved in available vertebrate species. In addition, this alteration is predicted to be deleterious by in silico analysis. Based on the available evidence, the clinical significance of this variant remains unclear.